The following is an entry in ClinVar:

NC_000002.11:g.(?_175612852)_(175629122_?)dup

Gene: CHRNA1 (cholinergic receptor nicotinic alpha 1 subunit; minus strand). Cytogenetic location: 2q31.1.
Variant type: Duplication.
Identifiers: ClinVar variation 3247275 (VCV003247275.1).

ClinVar aggregate classification (germline): Uncertain significance (1 of 4 stars; one submission).

Conditions:
Lethal multiple pterygium syndrome (LMPS). Identifiers: Orphanet 33108, MedGen C1854678, MONDO:0009668, OMIM 253290.

Submission:

Labcorp Genetics (formerly Invitae), Labcorp
Classification: Uncertain significance for Lethal multiple pterygium syndrome. Last evaluated: 2023-06-15. Review status: criteria provided, single submitter. Criteria: Invitae Variant Classification Sherloc (09022015). Collection method: clinical testing. Allele origin: unknown.
Comment: In summary, the available evidence is currently insufficient to determine the role of this variant in disease. Therefore, it has been classified as a Variant of Uncertain Significance. This variant has not been reported in the literature in individuals affected with CHRNA1-related conditions. A copy number gain of the genomic region encompassing the full coding sequence of the CHRNA1 gene has been identified. The boundaries of this event are unknown as they extend beyond the assayed region for this gene and therefore may encompass additional genes. As the precise location of this event is unknown, it may be in tandem or it may be located elsewhere in the genome.